The following is an entry in ClinVar:

ClinVar aggregate classification (germline): Uncertain significance (1 of 4 stars; one submission).

Conditions:
Spermatogenic failure 18. Identifiers: MedGen C4539783, MONDO:0054615, OMIM 617576.
Ciliary dyskinesia, primary, 37 (CILD37). Also called: CILIARY DYSKINESIA, PRIMARY, 37, WITH OR WITHOUT SITUS INVERSUS. Identifiers: MedGen C4539798, MONDO:0033204, OMIM 617577.

gnomAD v4.1: 170 of 1,605,760 alleles (0.011%); highest among the groups gnomAD compares: South Asian, 0.16%; 2 homozygotes.

Submission:

Labcorp Genetics (formerly Invitae), Labcorp
Classification: Uncertain significance for Ciliary dyskinesia, primary, 37; Spermatogenic failure 18. Last evaluated: 2026-01-13. Review status: criteria provided, single submitter. Criteria: Invitae Variant Classification Sherloc (09022015). Collection method: clinical testing. Allele origin: germline.
Comment: This sequence change replaces methionine, which is neutral and non-polar, with valine, which is neutral and non-polar, at codon 2519 of the DNAH1 protein (p.Met2519Val). This variant is present in population databases (rs538325225, gnomAD 0.2%). This variant has not been reported in the literature in individuals affected with DNAH1-related conditions. Invitae Evidence Modeling of protein sequence and biophysical properties (such as structural, functional, and spatial information, amino acid conservation, physicochemical variation, residue mobility, and thermodynamic stability) has been performed for this missense variant. However, the output from this modeling did not meet the statistical confidence thresholds required to predict the impact of this variant on DNAH1 protein function. In summary, the available evidence is currently insufficient to determine the role of this variant in disease. Therefore, it has been classified as a Variant of Uncertain Significance.

NM_015512.5(DNAH1):c.7555A>G (p.Met2519Val)

Gene: DNAH1 (dynein axonemal heavy chain 1; plus strand). Cytogenetic location: 3p21.1.
Variant type: single nucleotide variant.
Coding change: c.7555A>G on transcript NM_015512.5 (MANE Select); coding-DNA position 7555, A replaced by G.
Protein change: p.Met2519Val; replaces methionine 2519 with valine.
Molecular consequence: missense variant.
Genome position (GRCh38, 1-based): chr3:52,380,082, A>G. VCF-style: chr3-52380082-A-G. GRCh37 (hg19) VCF-style: chr3-52414098-A-G.
Other names: short protein forms M2519V.
Identifiers: ClinVar variation 4793129 (VCV004793129.1).
Genomic context (GRCh38, chr3:52,380,082, plus strand): 5'-CAGTGGGAGGTGACCTTCAACAAGGTCTGCCCCTTCCAGCCCATTCTTTACGGGGACTTC[A>G]TGTCACCAGGCTCCGATGTCAAGTCCTACGAGCTCATCACCAGTGAGAGTAAGGTGAGGG-3'
Protein context (NP_056327.4, residues 2509-2529): PFQPILYGDF[Met2519Val]SPGSDVKSYE